The following is an entry in ClinVar:

ClinVar aggregate classification (germline): Uncertain significance. Review status: criteria provided, multiple submitters, no conflicts (2 of 4 stars). 2 submissions from 2 submitters: Uncertain significance (2). Last evaluated 2025-03-27.

Submissions (2):

Women's Health and Genetics/Laboratory Corporation of America, LabCorp
Classification: Uncertain significance. Last evaluated: 2025-03-27. Review status: criteria provided, single submitter. Criteria: LabCorp Variant Classification Summary - May 2015. Collection method: clinical testing. Allele origin: germline.
Comment: Variant summary: KCNK4 c.367T>A (p.Tyr123Asn) results in a non-conservative amino acid change in the encoded protein sequence. Four of five in-silico tools predict a damaging effect of the variant on protein function. The variant was absent in 251074 control chromosomes (gnomAD). The available data on variant occurrences in the general population are insufficient to allow any conclusion about variant significance. To our knowledge, no occurrence of c.367T>A in individuals affected with Facial Dysmorphism, Hypertrichosis, Epilepsy, Intellectual/developmental Delay, And Gingival Overgrowth Syndrome and no experimental evidence demonstrating its impact on protein function have been reported. ClinVar contains an entry for this variant (Variation ID: 3369775). Based on the evidence outlined above, the variant was classified as uncertain significance.

GeneDx
Classification: Uncertain significance. Last evaluated: 2024-02-29. Review status: criteria provided, single submitter. Criteria: GeneDx Variant Classification Process June 2021. Collection method: clinical testing. Allele origin: germline. Affected: yes.
Comment: Not observed at significant frequency in large population cohorts (gnomAD); In silico analysis supports that this missense variant has a deleterious effect on protein structure/function; Has not been previously published as pathogenic or benign to our knowledge

NM_033310.3(KCNK4):c.367T>A (p.Tyr123Asn)

Genes: KCNK4 (potassium two pore domain channel subfamily K member 4; plus strand), KCNK4-CATSPERZ (KCNK4-CATSPERZ readthrough (NMD candidate); plus strand). Cytogenetic location: 11q13.1.
Variant type: single nucleotide variant.
Coding change: c.367T>A on transcript NM_033310.3 (MANE Select); coding-DNA position 367, T replaced by A.
Protein change: p.Tyr123Asn; replaces tyrosine 123 with asparagine.
Molecular consequence: missense variant. On other transcripts: non-coding transcript variant (3).
Genome position (GRCh38, 1-based): chr11:64,297,172, T>A. VCF-style: chr11-64297172-T-A. GRCh37 (hg19) VCF-style: chr11-64064644-T-A.
Other names: c.367T>A, p.Tyr123Asn (NM_001317090.2); short protein forms Y123N.
Identifiers: ClinVar variation 3369775 (VCV003369775.2).
Genomic context (GRCh38, chr11:64,297,172, plus strand): 5'-TGCCCAGGCTATGGCAATGTGGCCCTGCGCACAGATGCCGGGCGCCTCTTCTGCATCTTT[T>A]ATGCGCTGGTGGGGATTCCGCTGTTTGGGATCCTACTGGCAGGGGTCGGGGACCGGCTGG-3'
Protein context (NP_201567.1, residues 113-133): TDAGRLFCIF[Tyr123Asn]ALVGIPLFGI